The following is an entry in ClinVar:

NM_152703.5(SAMD9L):c.1545T>A (p.His515Gln)

Gene: SAMD9L (sterile alpha motif domain containing 9 like; minus strand). Cytogenetic location: 7q21.2.
Variant type: single nucleotide variant.
Coding change: c.1545T>A on transcript NM_152703.5 (MANE Select); coding-DNA position 1545, T replaced by A.
Protein change: p.His515Gln; replaces histidine 515 with glutamine.
Molecular consequence: missense variant.
Genome position (GRCh38, 1-based): chr7:93,134,427, A>T on the plus strand (T>A on the coding strand, the complement: SAMD9L is on the minus strand). VCF-style: chr7-93134427-A-T. GRCh37 (hg19) VCF-style: chr7-92763740-A-T.
Other names: c.1545T>A, p.His515Gln (NM_001303496.3, NM_001303497.3, NM_001303498.3 and 5 more transcripts); short protein forms H515Q.
Identifiers: ClinVar variation 4841995 (VCV004841995.1).
Genomic context (GRCh38, chr7:93,134,427, plus strand): 5'-TTCATCTGTGAGAAATAAAATTAGTTTCCTGACTTCTGAAGCTCTTTCTCTCTGCCATAA[A>T]TGTGGTTCTAGAGGTTTATATGTCTCGCTTTTCAGGTCTGATCTGCCGTTGCAGAAAATC-3'
Protein context (NP_689916.2, residues 505-525): KSETYKPLEP[His515Gln]LWQRERASEV

ClinVar aggregate classification (germline): Uncertain significance (1 of 4 stars; one submission).

Conditions:
Inborn genetic diseases. Identifiers: MedGen C0950123, MeSH D030342.

Submission:

Ambry Genetics
Classification: Uncertain significance for Inborn genetic diseases. Last evaluated: 2025-12-18. Review status: criteria provided, single submitter. Criteria: Ambry Variant Classification Scheme 2023. Collection method: clinical testing. Allele origin: germline.
Comment: The p.H515Q variant (also known as c.1545T>A), located in coding exon 1 of the SAMD9L gene, results from a T to A substitution at nucleotide position 1545. The histidine at codon 515 is replaced by glutamine, an amino acid with highly similar properties. This amino acid position is conserved. In addition, this alteration is predicted to be tolerated by in silico analysis. Based on the available evidence, the clinical significance of this variant remains unclear.